The following is an entry in ClinVar:

NM_000059.4(BRCA2):c.4171G>T (p.Glu1391Ter)

Gene: BRCA2 (BRCA2 DNA repair associated; plus strand). Cytogenetic location: 13q13.1.
Variant type: single nucleotide variant.
Coding change: c.4171G>T on transcript NM_000059.4 (MANE Select); coding-DNA position 4171, G replaced by T.
Protein change: p.Glu1391Ter; replaces glutamic acid 1391 with a stop codon.
Molecular consequence: nonsense. On other transcripts: non-coding transcript variant (1), intron variant (2).
Genome position (GRCh38, 1-based): chr13:32,338,526, G>T. VCF-style: chr13-32338526-G-T. GRCh37 (hg19) VCF-style: chr13-32912663-G-T.
Other names: c.4171G>T, p.Glu1391Ter (NM_001406719.1, NM_001406720.1); c.1909+5139G>T (NM_001406721.1); c.425-6032G>T (NM_001406722.1); short protein forms E1391*.
Identifiers: ClinVar variation 2692235 (VCV002692235.2), dbSNP rs1593901620, ClinGen allele CA387780083.

ClinVar aggregate classification (germline): Pathogenic. Review status: criteria provided, single submitter (1 of 4 stars). 2 submissions from 2 submitters: Pathogenic (1). 1 of the submissions does not count toward it. Last evaluated 2026-02-19.

Conditions:
Hereditary cancer-predisposing syndrome. Also called: Tumor predisposition; Hereditary Cancer Syndrome; Hereditary neoplastic syndrome; Neoplastic Syndromes, Hereditary. Identifiers: Orphanet 140162, MedGen C0027672, MeSH D009386, MONDO:0015356.
Breast-ovarian cancer, familial, susceptibility to, 2 (BROVCA2). Also called: BRCA2 Hereditary Breast and Ovarian Cancer. Identifiers: Orphanet 145, MedGen C2675520, MONDO:0012933, OMIM 612555. Disease mechanism: loss of function.

Submissions (2):

Ambry Genetics
Classification: Pathogenic for Hereditary cancer-predisposing syndrome. Last evaluated: 2026-02-19. Review status: criteria provided, single submitter. Criteria: Ambry Variant Classification Scheme 2023. Collection method: clinical testing. Allele origin: germline.
Comment: The p.E1391* pathogenic mutation (also known as c.4171G>T), located in coding exon 10 of the BRCA2 gene, results from a G to T substitution at nucleotide position 4171. This changes the amino acid from a glutamic acid to a stop codon within coding exon 10. This variant is considered to be rare based on population cohorts in the Genome Aggregation Database (gnomAD). This alteration is expected to result in loss of function by premature protein truncation or nonsense-mediated mRNA decay. As such, this alteration is interpreted as a disease-causing mutation.

BRCAlab, Lund University
Classification: Pathogenic for Breast-ovarian cancer, familial, susceptibility to, 2. Last evaluated: 2020-03-02. Review status: no assertion criteria provided. Collection method: clinical testing. Allele origin: germline. Affected: yes. Not counted in ClinVar's aggregate classification.